The following is an entry in ClinVar:

NM_001042492.3(NF1):c.6502del (p.Ser2168fs)

Gene: NF1 (neurofibromin 1; plus strand). Cytogenetic location: 17q11.2.
Variant type: Deletion.
Coding change: c.6502del on transcript NM_001042492.3 (MANE Select); coding-DNA position 6502, one base deleted (A; older notation c.6502delA).
Protein change: p.Ser2168fs; shifts the reading frame from serine 2168.
Molecular consequence: frameshift variant.
Genome position (GRCh38, 1-based): chr17:31,337,442, A deleted. VCF-style (leftmost placement, unchanged base first): chr17-31337441-TA-T. GRCh37 (hg19) VCF-style: chr17-29664459-TA-T.
Other names: c.6439delA (NM_000267.3); c.6439delA, p.Ser2147Alafs (NM_000267.4); short protein forms S2147fs, S2168fs.
Identifiers: ClinVar variation 3237880 (VCV003237880.1), dbSNP rs2508753348.
Genomic context (GRCh38, chr17:31,337,441, plus strand): 5'-AGTTTTGAGACTCAGTCTGACAGAGTTCTCATTACCCAAATTTTACTTGCTGTTTGGCAT[TA>T]GCAAAGTCAAGTCAGCTGCTGTCATTGCCTTCCGTTCCAGTTACCGGGACAGGTCATTCT-3'

ClinVar aggregate classification (germline): Pathogenic (1 of 4 stars; one submission).

Conditions:
Hereditary cancer-predisposing syndrome. Also called: Neoplastic Syndromes, Hereditary; Tumor predisposition; Hereditary neoplastic syndrome; Hereditary Cancer Syndrome. Identifiers: Orphanet 140162, MedGen C0027672, MeSH D009386, MONDO:0015356.
Cardiovascular phenotype. Identifiers: MedGen CN230736.

Submission:

Ambry Genetics
Classification: Pathogenic for Cardiovascular phenotype; Hereditary cancer-predisposing syndrome. Last evaluated: 2023-12-04. Review status: criteria provided, single submitter. Criteria: Ambry Variant Classification Scheme 2023. Collection method: clinical testing. Allele origin: germline.
Comment: The c.6439delA pathogenic mutation, located in coding exon 42 of the NF1 gene, results from a deletion of one nucleotide at nucleotide position 6439, causing a translational frameshift with a predicted alternate stop codon (p.S2147Afs*32). This variant is considered to be rare based on population cohorts in the Genome Aggregation Database (gnomAD). This alteration is expected to result in loss of function by premature protein truncation or nonsense-mediated mRNA decay. As such, this alteration is interpreted as a disease-causing mutation.